The following is an entry in ClinVar:

ClinVar aggregate classification (germline): Benign/Likely benign. Review status: criteria provided, multiple submitters, no conflicts (2 of 4 stars). 3 submissions from 3 submitters: Benign (1); Likely benign (2). Last evaluated 2024-07-02.

Conditions:
Hereditary cancer-predisposing syndrome. Also called: Neoplastic Syndromes, Hereditary; Tumor predisposition; Hereditary Cancer Syndrome; Hereditary neoplastic syndrome. Identifiers: Orphanet 140162, MedGen C0027672, MeSH D009386, MONDO:0015356.
Familial adenomatous polyposis 1 (FAP1). Also called: FAMILIAL ADENOMATOUS POLYPOSIS 1, ATTENUATED; POLYPOSIS, ADENOMATOUS INTESTINAL. Identifiers: MedGen C2713442, MONDO:0021056, OMIM 175100. Disease mechanism: loss of function.

Submissions (3):

Labcorp Genetics (formerly Invitae), Labcorp
Classification: Likely benign for Familial adenomatous polyposis 1. Last evaluated: 2024-07-02. Review status: criteria provided, single submitter. Criteria: Invitae Variant Classification Sherloc (09022015). Collection method: clinical testing. Allele origin: germline.

Myriad Genetics, Inc.
Classification: Benign for Familial adenomatous polyposis 1. Last evaluated: 2024-02-26. Review status: criteria provided, single submitter. Criteria: Myriad Autosomal Dominant, Autosomal Recessive and X-Linked Classification Criteria (2023). Collection method: clinical testing. Allele origin: unknown.
Comment: This variant is considered benign. This variant is a silent/synonymous amino acid change and it is not expected to impact splicing.

Ambry Genetics
Classification: Likely benign for Hereditary cancer-predisposing syndrome. Last evaluated: 2016-06-22. Review status: criteria provided, single submitter. Criteria: Ambry Variant Classification Scheme 2023. Collection method: clinical testing. Allele origin: germline.

NM_000038.6(APC):c.702T>C (p.Leu234=)

Gene: APC (APC regulator of Wnt signaling pathway; plus strand). Cytogenetic location: 5q22.2.
Variant type: single nucleotide variant.
Coding change: c.702T>C on transcript NM_000038.6 (MANE Select); coding-DNA position 702, T replaced by C.
Protein change: p.Leu234=; no amino-acid change (leucine 234 retained).
Molecular consequence: synonymous variant. On other transcripts: 5 prime UTR variant (1), intron variant (2).
Genome position (GRCh38, 1-based): chr5:112,792,502, T>C. VCF-style: chr5-112792502-T-C. GRCh37 (hg19) VCF-style: chr5-112128199-T-C.
Other names: c.702T>C, p.Leu234= (NM_001127510.3, NM_001354895.2, NM_001354896.2 and 1 more transcripts); c.732T>C, p.Leu244= (NM_001354897.2, NM_001354902.2); c.627T>C, p.Leu209= (NM_001354898.2, NM_001354904.2); c.525T>C, p.Leu175= (NM_001354900.2, NM_001354901.2, NM_001354905.2); c.-334T>C (NM_001354906.2); c.676-8777T>C (NM_001127511.3); c.646-8777T>C (NM_001354899.2).
Identifiers: ClinVar variation 482371 (VCV000482371.7), dbSNP rs1554074779, ClinGen allele CA445755580.